The following is an entry in ClinVar:

NM_015450.3(POT1):c.1241A>C (p.Gln414Pro)

Gene: POT1 (protection of telomeres 1; minus strand). Cytogenetic location: 7q31.33.
Variant type: single nucleotide variant.
Coding change: c.1241A>C on transcript NM_015450.3 (MANE Select); coding-DNA position 1241, A replaced by C.
Protein change: p.Gln414Pro; replaces glutamine 414 with proline.
Molecular consequence: missense variant. On other transcripts: non-coding transcript variant (3).
Genome position (GRCh38, 1-based): chr7:124,841,101, T>G on the plus strand (A>C on the coding strand, the complement: POT1 is on the minus strand). VCF-style: chr7-124841101-T-G. GRCh37 (hg19) VCF-style: chr7-124481155-T-G.
Other names: c.1241A>C (NM_015450.2); c.848A>C, p.Gln283Pro (NM_001042594.2); short protein forms Q283P, Q414P.
Identifiers: ClinVar variation 3688986 (VCV003688986.3).

ClinVar aggregate classification (germline): Uncertain significance. Review status: criteria provided, multiple submitters, no conflicts (2 of 4 stars). 2 submissions from 2 submitters: Uncertain significance (2). Last evaluated 2025-08-15.

Conditions:
Tumor predisposition syndrome 3 (TPDS3). Also called: Glioma susceptibility 9; LONG TELOMERE SYNDROME, POT1-RELATED; POT1 Tumor Predisposition; Melanoma, cutaneous malignant, susceptibility to, 10. Identifiers: Orphanet 618, MedGen C4014476, MONDO:0014368, OMIM 615848.
Hereditary cancer-predisposing syndrome. Also called: Neoplastic Syndromes, Hereditary; Tumor predisposition; Hereditary Cancer Syndrome; Hereditary neoplastic syndrome. Identifiers: Orphanet 140162, MedGen C0027672, MeSH D009386, MONDO:0015356.

Submissions (2):

Ambry Genetics
Classification: Uncertain significance for Hereditary cancer-predisposing syndrome. Last evaluated: 2025-08-15. Review status: criteria provided, single submitter. Criteria: Ambry Variant Classification Scheme 2023. Collection method: clinical testing. Allele origin: germline.
Comment: The p.Q414P variant (also known as c.1241A>C), located in coding exon 10 of the POT1 gene, results from an A to C substitution at nucleotide position 1241. The glutamine at codon 414 is replaced by proline, an amino acid with similar properties. This amino acid position is conserved. In addition, the in silico prediction for this alteration is inconclusive. Based on the available evidence, the clinical significance of this variant remains unclear.

Labcorp Genetics (formerly Invitae), Labcorp
Classification: Uncertain significance for Tumor predisposition syndrome 3. Last evaluated: 2024-07-03. Review status: criteria provided, single submitter. Criteria: Invitae Variant Classification Sherloc (09022015). Collection method: clinical testing. Allele origin: germline.
Comment: This sequence change replaces glutamine, which is neutral and polar, with proline, which is neutral and non-polar, at codon 414 of the POT1 protein (p.Gln414Pro). This variant is not present in population databases (gnomAD no frequency). This variant has not been reported in the literature in individuals affected with POT1-related conditions. Advanced modeling of protein sequence and biophysical properties (such as structural, functional, and spatial information, amino acid conservation, physicochemical variation, residue mobility, and thermodynamic stability) performed at Invitae indicates that this missense variant is not expected to disrupt POT1 protein function with a negative predictive value of 80%. In summary, the available evidence is currently insufficient to determine the role of this variant in disease. Therefore, it has been classified as a Variant of Uncertain Significance.